The following is an entry in ClinVar:

NM_012414.4(RAB3GAP2):c.812-7_812-6del

Gene: RAB3GAP2 (RAB3 GTPase activating non-catalytic protein subunit 2; minus strand). Cytogenetic location: 1q41.
Variant type: Deletion.
Coding change: c.812-7_812-6del on transcript NM_012414.4 (MANE Select); 7 bases into the intron before coding-DNA position 812 through 6 bases into the intron before coding-DNA position 812, 2 bases deleted (TT; older notation c.812-7_812-6delTT).
Molecular consequence: intron variant.
Genome position (GRCh38, 1-based): chr1:220,196,404-220,196,405, AA deleted on the plus strand (TT on the coding strand, the reverse complement: RAB3GAP2 is on the minus strand); deleting any 2 consecutive bases within chr1:220,196,404-220,196,415 gives the same sequence; the c. name uses the placement nearest the transcript's 3' end. VCF-style (leftmost placement, unchanged base first): chr1-220196403-TAA-T. GRCh37 (hg19) VCF-style: chr1-220369745-TAA-T.
Other names: NC_000001.10:g.220369756_220369757del; c.812-17_812-16del (NM_012414.4).
Identifiers: ClinVar variation 235478 (VCV000235478.38), dbSNP rs35396665, ClinGen allele CA1402844.
Genomic context (GRCh38, chr1:220,196,403, plus strand): 5'-TCCACCTATATTGGAGGCAGTCTTCATTTGATCAAAGGGGGACAGAGTCATAATACCTAA[TAA>T]AAAAAAAAAAGTGATTTGAATGTACAATGTTATTGCGGTCATTACATTTTTACTTCAGTT-3'

ClinVar aggregate classification (germline): Benign/Likely benign. Review status: criteria provided, multiple submitters, no conflicts (2 of 4 stars). 3 submissions from 3 submitters: Benign (2); Likely benign (1). Last evaluated 2024-11-11.

Conditions:
Martsolf syndrome (MARTS). Also called: Congenital cataract with intellectual disability and hypogonadotropic hypogonadism syndrome. Identifiers: Orphanet 1387, MedGen C0796037, MONDO:0023910.
Warburg micro syndrome 2 (WARBM2). Also called: MICRO SYNDROME 2. Identifiers: Orphanet 2510, MedGen C3280214, MONDO:0013641, OMIM 614225.

Submissions (6):

Labcorp Genetics (formerly Invitae), Labcorp
Classification: Benign for Martsolf syndrome; Warburg micro syndrome 2. Last evaluated: 2024-11-11. Review status: criteria provided, single submitter. Criteria: Invitae Variant Classification Sherloc (09022015). Collection method: clinical testing. Allele origin: germline.

CeGaT Center for Human Genetics Tuebingen
Classification: Likely benign. Last evaluated: 2022-07-01. Review status: criteria provided, single submitter. Criteria: CeGaT Center For Human Genetics Tuebingen Variant Classification Criteria Version 2. Collection method: clinical testing. Allele origin: germline. Affected: yes. Observed: 1 variant allele.
Comment: RAB3GAP2: BP4

Center for Pediatric Genomic Medicine, Children's Mercy Hospital and Clinics
Classification: Benign. Last evaluated: 2015-08-26. Review status: criteria provided, single submitter. Criteria: ACMG Guidelines, 2015. Collection method: clinical testing. Allele origin: germline.

Dr. Peter K. Rogan Lab, Western University
No classification provided (evidence only). Condition: Colorectal cancer. Review status: no classification provided. Collection method: in vitro. Allele origin: not applicable. Functional consequence: skipped exon. Not counted in ClinVar's aggregate classification.

Dr. Peter K. Rogan Lab, Western University
No classification provided (evidence only). Condition: Uterine corpus endometrial carcinoma. Review status: no classification provided. Collection method: in vitro. Allele origin: not applicable. Functional consequence: skipped exon, retained intron. Not counted in ClinVar's aggregate classification.

Dr. Peter K. Rogan Lab, Western University
No classification provided (evidence only). Condition: Uterine corpus endometrial carcinoma. Review status: no classification provided. Collection method: in vitro. Allele origin: not applicable. Functional consequence: skipped exon. Not counted in ClinVar's aggregate classification.